The following is an entry in ClinVar:

ClinVar aggregate classification (germline): Uncertain significance. Review status: criteria provided, single submitter (1 of 4 stars). 2 submissions from 2 submitters: Uncertain significance (1). 1 of the submissions does not count toward it. Last evaluated 2026-06-23.

Conditions:
FGFR3-related chondrodysplasia. Identifiers: Orphanet 93420, MedGen C5681604, MONDO:0019685.
46 XY differences of sex development. Also called: 46, XY disorder of sex development (DSD); 46,XY disorder of sex development. Identifiers: Orphanet 98085, MedGen C2751824, MONDO:0020040.

Submissions (2):

Genomenon, Inc
Classification: Uncertain significance for FGFR3-related chondrodysplasia. Last evaluated: 2026-06-23. Review status: criteria provided, single submitter. Criteria: Genomenon Sequence Variant Interpretation Standards - Updated. Collection method: curation. Allele origin: germline. Affected: no.
Comment: FGFR3 p.Cys545HisfsTer17 (c.1633_1634del) is a frameshift variant that is predicted to introduce a premature termination codon and result in a truncated or absent protein product. This variant has been reported in the published literature (PMID:37432935). It is absent or not present at a significant frequency in gnomAD. In conclusion, we classify FGFR3 p.Cys545HisfsTer17 (c.1633_1634del) as a variant of uncertain significance.

Department for BioMedical Research, Inselspital, Bern University Hospital, University of Bern
Classification: Likely pathogenic for 46 XY differences of sex development. Last evaluated: 2023-01-01. Review status: no assertion criteria provided. Collection method: research. Allele origin: unknown. Inheritance: Y-linked inheritance. Affected: yes. Observed: 1 heterozygote. Not counted in ClinVar's aggregate classification.

Literature cited by the submitters: PubMed 37432935 (cited by Genomenon, Inc).

NM_000142.5(FGFR3):c.1633_1634del (p.Cys545fs)

Gene: FGFR3 (fibroblast growth factor receptor 3; plus strand). Cytogenetic location: 4p16.3.
Variant type: Deletion.
Coding change: c.1633_1634del on transcript NM_000142.5 (MANE Select); coding-DNA positions 1633 to 1634, 2 bases deleted (TG; older notation c.1633_1634delTG).
Protein change: p.Cys545fs; shifts the reading frame from cysteine 545.
Molecular consequence: frameshift variant. On other transcripts: non-coding transcript variant (1).
Genome position (GRCh38, 1-based): chr4:1,805,657-1,805,658, TG deleted. VCF-style (leftmost placement, unchanged base first): chr4-1805656-CTG-C. GRCh37 (hg19) VCF-style: chr4-1807383-CTG-C.
Other names: c.1639_1640del, p.Cys547fs (NM_001163213.2); c.1636_1637del, p.Cys546fs (NM_001354809.2, NM_001354810.2); c.1297_1298del, p.Cys433fs (NM_022965.4); short protein forms C433fs, C545fs, C546fs, C547fs.
Identifiers: ClinVar variation 2429355 (VCV002429355.2), dbSNP rs2546829391, ClinGen allele CA2580070697.